The following is an entry in ClinVar:

NM_205836.3(FBXO38):c.1816A>G (p.Ser606Gly)

Gene: FBXO38 (F-box protein 38; plus strand). Cytogenetic location: 5q32.
Variant type: single nucleotide variant.
Coding change: c.1816A>G on transcript NM_205836.3 (MANE Select); coding-DNA position 1816, A replaced by G.
Protein change: p.Ser606Gly; replaces serine 606 with glycine.
Molecular consequence: missense variant.
Genome position (GRCh38, 1-based): chr5:148,425,599, A>G. VCF-style: chr5-148425599-A-G. GRCh37 (hg19) VCF-style: chr5-147805162-A-G.
Other names: c.1816A>G, p.Ser606Gly (NM_001271723.2, NM_030793.5); short protein forms S606G.
Identifiers: ClinVar variation 3670286 (VCV003670286.2).

ClinVar aggregate classification (germline): Uncertain significance (1 of 4 stars; one submission).

Conditions:
Distal hereditary motor neuropathy type 2. Identifiers: Orphanet 139525, MedGen C3711384, MeSH C580044, MONDO:0015352.

gnomAD v4.1: 1 of 1,613,732 alleles (0.000062%); highest among the groups gnomAD compares: Non-Finnish European, 0.000085%; no homozygotes.

Submission:

Labcorp Genetics (formerly Invitae), Labcorp
Classification: Uncertain significance for Distal hereditary motor neuropathy type 2. Last evaluated: 2024-07-19. Review status: criteria provided, single submitter. Criteria: Invitae Variant Classification Sherloc (09022015). Collection method: clinical testing. Allele origin: germline.
Comment: This sequence change replaces serine, which is neutral and polar, with glycine, which is neutral and non-polar, at codon 606 of the FBXO38 protein (p.Ser606Gly). This variant is present in population databases (rs770127165, gnomAD 0.0009%). This variant has not been reported in the literature in individuals affected with FBXO38-related conditions. Advanced modeling of protein sequence and biophysical properties (such as structural, functional, and spatial information, amino acid conservation, physicochemical variation, residue mobility, and thermodynamic stability) performed at Invitae indicates that this missense variant is not expected to disrupt FBXO38 protein function with a negative predictive value of 80%. In summary, the available evidence is currently insufficient to determine the role of this variant in disease. Therefore, it has been classified as a Variant of Uncertain Significance.